The following is an entry in ClinVar:

NM_001318852.2(MAPK8IP3):c.3519A>G (p.Thr1173=)

Gene: MAPK8IP3 (mitogen-activated protein kinase 8 interacting protein 3; plus strand). Cytogenetic location: 16p13.3.
Variant type: single nucleotide variant.
Coding change: c.3519A>G on transcript NM_001318852.2 (MANE Select); coding-DNA position 3519, A replaced by G.
Protein change: p.Thr1173=; no amino-acid change (threonine 1173 retained).
Molecular consequence: synonymous variant.
Genome position (GRCh38, 1-based): chr16:1,767,914, A>G. VCF-style: chr16-1767914-A-G. GRCh37 (hg19) VCF-style: chr16-1817915-A-G.
Other names: c.3498A>G, p.Thr1166= (NM_001040439.2); c.3516A>G, p.Thr1172= (NM_015133.5).
Identifiers: ClinVar variation 4886630 (VCV004886630.2).

ClinVar aggregate classification (germline): Uncertain significance (1 of 4 stars; one submission).

gnomAD v4.1: 1 of 1,610,858 alleles (0.000062%); no homozygotes.

Submission:

Dasa
Classification: Uncertain significance. Last evaluated: 2026-01-21. Review status: criteria provided, single submitter. Criteria: DASA Assertion Criteria. Collection method: clinical testing. Allele origin: germline.
Comment: NM_001318852.2(MAPK8IP3):c.3519A>G (p.Thr1173=) is a synonymous variant predicted not to alter the encoded amino acid sequence. This variant is rare in population databases. The currently available literature and clinical evidence are not sufficient to establish a definitive association between this variant and the reported condition. Therefore, this variant is classified as a variant of uncertain significance.